The following is an entry in ClinVar:

ClinVar aggregate classification (germline): Uncertain significance (1 of 4 stars; one submission).

Submission:

GeneDx
Classification: Uncertain significance. Last evaluated: 2024-12-14. Review status: criteria provided, single submitter. Criteria: GeneDx Variant Classification Process June 2021. Collection method: clinical testing. Allele origin: germline. Affected: yes.
Comment: Not observed at significant frequency in large population cohorts (gnomAD); In silico analysis supports that this missense variant has a deleterious effect on protein structure/function; Has not been previously published as pathogenic or benign to our knowledge

NM_145166.4(ZBTB47):c.2164C>A (p.Pro722Thr)

Gene: ZBTB47 (zinc finger and BTB domain containing 47; plus strand). Cytogenetic location: 3p22.1.
Variant type: single nucleotide variant.
Coding change: c.2164C>A on transcript NM_145166.4 (MANE Select); coding-DNA position 2164, C replaced by A.
Protein change: p.Pro722Thr; replaces proline 722 with threonine.
Molecular consequence: missense variant.
Genome position (GRCh38, 1-based): chr3:42,664,518, C>A. VCF-style: chr3-42664518-C-A. GRCh37 (hg19) VCF-style: chr3-42706010-C-A.
Other names: c.2248C>A, p.Pro750Thr (NM_001410746.1); short protein forms P722T, P750T.
Identifiers: ClinVar variation 3903087 (VCV003903087.1).